The following is an entry in ClinVar:

ClinVar aggregate classification (germline): Uncertain significance (1 of 4 stars; one submission).

Submission:

GeneDx
Classification: Uncertain significance. Last evaluated: 2022-09-22. Review status: criteria provided, single submitter. Criteria: GeneDx Variant Classification Process June 2021. Collection method: clinical testing. Allele origin: germline. Affected: yes.
Comment: Not observed at significant frequency in large population cohorts (gnomAD); In silico analysis supports that this missense variant has a deleterious effect on protein structure/function; Has not been previously published as pathogenic or benign to our knowledge; Reported using an alternate transcript of the gene

NM_016592.5(GNAS):c.298T>C (p.Cys100Arg)

Genes: GNAS (GNAS complex locus; plus strand), GNAS-AS1 (GNAS antisense RNA 1; minus strand). Cytogenetic location: 20q13.32.
Variant type: single nucleotide variant.
Coding change: c.298T>C on transcript NM_016592.5 (MANE Plus Clinical); coding-DNA position 298, T replaced by C.
Protein change: p.Cys100Arg; replaces cysteine 100 with arginine.
Molecular consequence: missense variant. On other transcripts: 5 prime UTR variant (1).
Genome position (GRCh38, 1-based): chr20:58,840,404, T>C. VCF-style: chr20-58840404-T-C. GRCh37 (hg19) VCF-style: chr20-57415459-T-C.
Other names: c.-440T>C (NM_001410912.1); short protein forms C100R.
Identifiers: ClinVar variation 2446235 (VCV002446235.1), dbSNP rs1236818121, ClinGen allele CA409451477.
Genomic context (GRCh38, chr20:58,840,404, plus strand): 5'-CCCGAATCGGAATCTGACCACGAGCACGAGGAGGCAGACCTTGAGCTGTCCCTCCCCGAG[T>C]GCCTAGAGTACGAGGAAGAGTTCGACTACGAGACCGAGAGCGAGACCGAGTCCGAAATCG-3'
Protein context (NP_057676.1, residues 90-110): EADLELSLPE[Cys100Arg]LEYEEEFDYE